The following is an entry in ClinVar:

GRCh38/hg38 2p16.3(chr2:50839917-50873340)x1

Gene: NRXN1 (neurexin 1; minus strand). Cytogenetic location: 2p16.3.
Variant type: copy number loss.
Change: copy number 1 (one copy instead of two) of chr2:50,839,917-50,873,340 (33.4 kb, GRCh38 coordinates, 1-based), cytogenetic band 2p16.3.
Identifiers: ClinVar variation 154883 (VCV000154883.3).

ClinVar aggregate classification (germline): Likely benign (0 of 4 stars; one submission).

Submission:

ISCA site 4
Classification: Likely benign. Last evaluated: 2017-09-01. Review status: no assertion criteria provided. Collection method: clinical testing. Allele origin: unknown. Affected: yes. Observed: 1 variant allele.
Comment: intronic loss

Copy number variation identified through the course of routine clinical cytogenomic testing in postnatal populations, with clinical assertions as classified by the original submitter.